The following is an entry in ClinVar:

ClinVar aggregate classification (germline): Uncertain significance (1 of 4 stars; one submission).

Allele frequency attached by ClinVar (database versions not stated): gnomAD exomes below 0.00001.

Submission:

Labcorp Genetics (formerly Invitae), Labcorp
Classification: Uncertain significance. Last evaluated: 2022-08-02. Review status: criteria provided, single submitter. Criteria: Invitae Variant Classification Sherloc (09022015). Collection method: clinical testing. Allele origin: germline.
Comment: In summary, the available evidence is currently insufficient to determine the role of this variant in disease. Therefore, it has been classified as a Variant of Uncertain Significance. Algorithms developed to predict the effect of missense changes on protein structure and function are either unavailable or do not agree on the potential impact of this missense change (SIFT: "Deleterious"; PolyPhen-2: "Not Available"; Align-GVGD: "Class C65"). This sequence change replaces leucine, which is neutral and non-polar, with proline, which is neutral and non-polar, at codon 230 of the GPX4 protein (p.Leu230Pro). This variant is present in population databases (no rsID available, gnomAD 0.007%). This variant has not been reported in the literature in individuals affected with GPX4-related conditions.

NM_002085.5(GPX4):c.578T>C (p.Leu193Pro)

Gene: GPX4 (glutathione peroxidase 4; plus strand). Cytogenetic location: 19p13.3.
Variant type: single nucleotide variant.
Coding change: c.578T>C on transcript NM_002085.5 (MANE Select); coding-DNA position 578, T replaced by C.
Protein change: p.Leu193Pro; replaces leucine 193 with proline.
Molecular consequence: missense variant. On other transcripts: synonymous variant (1).
Genome position (GRCh38, 1-based): chr19:1,106,556, T>C. VCF-style: chr19-1106556-T-C. GRCh37 (hg19) VCF-style: chr19-1106555-T-C.
Other names: c.600T>C, p.Pro200= (NM_001039847.3); c.689T>C, p.Leu230Pro (NM_001039848.4); c.497T>C, p.Leu166Pro (NM_001367832.1); short protein forms L166P, L193P, L230P.
Identifiers: ClinVar variation 1957215 (VCV001957215.5), dbSNP rs1191177439, ClinGen allele CA402940394.